The following is an entry in ClinVar:

NM_002691.4(POLD1):c.1828A>G (p.Ile610Val)

Gene: POLD1 (DNA polymerase delta 1, catalytic subunit; plus strand). Cytogenetic location: 19q13.33.
Variant type: single nucleotide variant.
Coding change: c.1828A>G on transcript NM_002691.4 (MANE Select); coding-DNA position 1828, A replaced by G.
Protein change: p.Ile610Val; replaces isoleucine 610 with valine.
Molecular consequence: missense variant. On other transcripts: non-coding transcript variant (1).
Genome position (GRCh38, 1-based): chr19:50,408,837, A>G. VCF-style: chr19-50408837-A-G. GRCh37 (hg19) VCF-style: chr19-50912094-A-G.
Other names: c.1828A>G, p.Ile610Val (NM_001256849.1); c.1906A>G, p.Ile636Val (NM_001308632.1); c.1828A>G (NM_002691.2); short protein forms I610V, I636V.
Identifiers: ClinVar variation 1451093 (VCV001451093.7), dbSNP rs2122367971, ClinGen allele CA406982035.

ClinVar aggregate classification (germline): Uncertain significance. Review status: criteria provided, multiple submitters, no conflicts (2 of 4 stars). 2 submissions from 2 submitters: Uncertain significance (2). Last evaluated 2024-01-21.

Conditions:
Hereditary cancer-predisposing syndrome. Also called: Neoplastic Syndromes, Hereditary; Tumor predisposition; Hereditary Cancer Syndrome; Hereditary neoplastic syndrome. Identifiers: Orphanet 140162, MedGen C0027672, MeSH D009386, MONDO:0015356.
POLD1-related polyposis and colorectal cancer syndrome (CRCS10). Also called: Colorectal cancer 10; COLORECTAL CANCER, SUSCEPTIBILITY TO, ON CHROMOSOME 19q; Colorectal cancer, susceptibility to, 10. Identifiers: Orphanet 220460, MedGen C2675481, MONDO:0012953, OMIM 612591.

Submissions (2):

Labcorp Genetics (formerly Invitae), Labcorp
Classification: Uncertain significance for POLD1-related polyposis and colorectal cancer syndrome. Last evaluated: 2024-01-21. Review status: criteria provided, single submitter. Criteria: Invitae Variant Classification Sherloc (09022015). Collection method: clinical testing. Allele origin: germline.
Comment: This sequence change replaces isoleucine, which is neutral and non-polar, with valine, which is neutral and non-polar, at codon 610 of the POLD1 protein (p.Ile610Val). This variant is not present in population databases (gnomAD no frequency). This variant has not been reported in the literature in individuals affected with POLD1-related conditions. ClinVar contains an entry for this variant (Variation ID: 1451093). Advanced modeling of protein sequence and biophysical properties (such as structural, functional, and spatial information, amino acid conservation, physicochemical variation, residue mobility, and thermodynamic stability) performed at Invitae indicates that this missense variant is not expected to disrupt POLD1 protein function with a negative predictive value of 80%. In summary, the available evidence is currently insufficient to determine the role of this variant in disease. Therefore, it has been classified as a Variant of Uncertain Significance.

Ambry Genetics
Classification: Uncertain significance for Hereditary cancer-predisposing syndrome. Last evaluated: 2023-08-30. Review status: criteria provided, single submitter. Criteria: Ambry Variant Classification Scheme 2023. Collection method: clinical testing. Allele origin: germline.
Comment: The p.I610V variant (also known as c.1828A>G), located in coding exon 14 of the POLD1 gene, results from an A to G substitution at nucleotide position 1828. The isoleucine at codon 610 is replaced by valine, an amino acid with highly similar properties. This amino acid position is conserved. In addition, this alteration is predicted to be tolerated by in silico analysis. Since supporting evidence is limited at this time, the clinical significance of this alteration remains unclear.